The following is an entry in ClinVar:

ClinVar aggregate classification (germline): Uncertain significance. Review status: criteria provided, multiple submitters, no conflicts (2 of 4 stars). 2 submissions from 2 submitters: Uncertain significance (2). Last evaluated 2025-09-28.

Conditions:
Emery-Dreifuss muscular dystrophy 5, autosomal dominant (EDMD5). Also called: EMERY-DREIFUSS MUSCULAR DYSTROPHY 5. Identifiers: Orphanet 261, MedGen C2751805, MONDO:0013072, OMIM 612999.

Allele frequency attached by ClinVar (database versions not stated): gnomAD 0.00001; gnomAD exomes 0.00001 and 0.00003; TOPMed 0.00001; ExAC 0.00003; 1000 Genomes Project 0.00020; 1000 Genomes Project 30x 0.00031.
gnomAD v4.1: 8 of 1,614,092 alleles (0.0005%); highest among the groups gnomAD compares: Admixed American, 0.012%; no homozygotes.

Submissions (2):

Ambry Genetics
Classification: Uncertain significance. Last evaluated: 2025-09-28. Review status: criteria provided, single submitter. Criteria: Ambry Variant Classification Scheme 2023. Collection method: clinical testing. Allele origin: germline.

Labcorp Genetics (formerly Invitae), Labcorp
Classification: Uncertain significance for Emery-Dreifuss muscular dystrophy 5, autosomal dominant. Last evaluated: 2023-10-13. Review status: criteria provided, single submitter. Criteria: Invitae Variant Classification Sherloc (09022015). Collection method: clinical testing. Allele origin: germline.
Comment: This sequence change replaces proline, which is neutral and non-polar, with alanine, which is neutral and non-polar, at codon 6537 of the SYNE2 protein (p.Pro6537Ala). This variant is present in population databases (rs570564199, gnomAD 0.02%). This variant has not been reported in the literature in individuals affected with SYNE2-related conditions. ClinVar contains an entry for this variant (Variation ID: 1421352). Algorithms developed to predict the effect of missense changes on protein structure and function output the following: SIFT: "Not Available"; PolyPhen-2: "Benign"; Align-GVGD: "Not Available". The alanine amino acid residue is found in multiple mammalian species, which suggests that this missense change does not adversely affect protein function. In summary, the available evidence is currently insufficient to determine the role of this variant in disease. Therefore, it has been classified as a Variant of Uncertain Significance.

NM_182914.3(SYNE2):c.19609C>G (p.Pro6537Ala)

Gene: SYNE2 (spectrin repeat containing nuclear envelope protein 2; plus strand). Cytogenetic location: 14q23.2.
Variant type: single nucleotide variant.
Coding change: c.19609C>G on transcript NM_182914.3 (MANE Select); coding-DNA position 19609, C replaced by G.
Protein change: p.Pro6537Ala; replaces proline 6537 with alanine.
Molecular consequence: missense variant.
Genome position (GRCh38, 1-based): chr14:64,218,464, C>G. VCF-style: chr14-64218464-C-G. GRCh37 (hg19) VCF-style: chr14-64685182-C-G.
Other names: c.19609C>G (NM_182914.2); c.19540C>G, p.Pro6514Ala (NM_015180.6); c.133C>G, p.Pro45Ala (NM_182910.2); c.511C>G, p.Pro171Ala (NM_182913.4); short protein forms P171A, P45A, P6514A, P6537A.
Identifiers: ClinVar variation 1421352 (VCV001421352.9), dbSNP rs570564199, ClinGen allele CA7224514.